The following is an entry in ClinVar:

ClinVar aggregate classification (germline): Pathogenic (1 of 4 stars; one submission).

Submission:

Labcorp Genetics (formerly Invitae), Labcorp
Classification: Pathogenic. Last evaluated: 2022-11-22. Review status: criteria provided, single submitter. Criteria: Invitae Variant Classification Sherloc (09022015). Collection method: clinical testing. Allele origin: germline.
Comment: For these reasons, this variant has been classified as Pathogenic. ClinVar contains an entry for this variant (Variation ID: 1074507). This variant has not been reported in the literature in individuals affected with KIF11-related conditions. This variant is not present in population databases (gnomAD no frequency). This sequence change creates a premature translational stop signal (p.Ala353Valfs*5) in the KIF11 gene. It is expected to result in an absent or disrupted protein product. Loss-of-function variants in KIF11 are known to be pathogenic (PMID: 22284827, 24281367).

Literature cited by the submitters: PubMed 22284827; PubMed 24281367.

NM_004523.4(KIF11):c.1057_1058insTACTTTG (p.Ala353fs)

Gene: KIF11 (kinesin family member 11; plus strand). Cytogenetic location: 10q23.33.
Variant type: Insertion.
Coding change: c.1057_1058insTACTTTG on transcript NM_004523.4 (MANE Select); coding-DNA positions 1057 to 1058, TACTTTG inserted.
Protein change: p.Ala353fs; shifts the reading frame from alanine 353.
Molecular consequence: frameshift variant.
Genome position: GRCh38 VCF-style: chr10-92616759-A-ATGTACTT. GRCh37 (hg19) VCF-style: chr10-94376516-A-ATGTACTT.
Other names: short protein forms A353fs.
Identifiers: ClinVar variation 1074507 (VCV001074507.8), dbSNP rs2135907187, ClinGen allele CA2499220497.
Genomic context (GRCh38, chr10:92,616,759, plus strand): 5'-CAATATCTTCAGTAATTGACCTTTCCTTTCCATGACAGGAAACTCTGAGTACATTGGAAT[A>ATGTACTT]TGCTCATAGAGCAAAGAACATATTGAATAAGCCTGAAGTGAATCAGAAACTCACCAAAAA-3'